The following is an entry in ClinVar:

ClinVar aggregate classification (germline): Uncertain significance (1 of 4 stars; one submission).

gnomAD v4.1: 1 of 1,613,442 alleles (0.000062%); highest among the groups gnomAD compares: South Asian, 0.0011%; no homozygotes.

Submission:

Labcorp Genetics (formerly Invitae), Labcorp
Classification: Uncertain significance. Last evaluated: 2024-10-22. Review status: criteria provided, single submitter. Criteria: Invitae Variant Classification Sherloc (09022015). Collection method: clinical testing. Allele origin: germline.
Comment: This sequence change replaces valine, which is neutral and non-polar, with phenylalanine, which is neutral and non-polar, at codon 267 of the IL23R protein (p.Val267Phe). This variant is present in population databases (no rsID available, gnomAD 0.003%). This variant has not been reported in the literature in individuals affected with IL23R-related conditions. An algorithm developed to predict the effect of missense changes on protein structure and function (PolyPhen-2) suggests that this variant is likely to be tolerated. Algorithms developed to predict the effect of sequence changes on RNA splicing suggest that this variant may disrupt the consensus splice site. In summary, the available evidence is currently insufficient to determine the role of this variant in disease. Therefore, it has been classified as a Variant of Uncertain Significance.

NM_144701.3(IL23R):c.799G>T (p.Val267Phe)

Gene: IL23R (interleukin 23 receptor; plus strand). Cytogenetic location: 1p31.3.
Variant type: single nucleotide variant.
Coding change: c.799G>T on transcript NM_144701.3 (MANE Select); coding-DNA position 799, G replaced by T.
Protein change: p.Val267Phe; replaces valine 267 with phenylalanine.
Molecular consequence: missense variant.
Genome position (GRCh38, 1-based): chr1:67,219,574, G>T. VCF-style: chr1-67219574-G-T. GRCh37 (hg19) VCF-style: chr1-67685257-G-T.
Other names: short protein forms V267F.
Identifiers: ClinVar variation 3643842 (VCV003643842.2).